The following is an entry in ClinVar:

NM_001943.5(DSG2):c.13C>G (p.Pro5Ala)

Genes: DSG2 (desmoglein 2; plus strand), LOC130062340 (ATAC-STARR-seq lymphoblastoid silent region 9384; plus strand). Cytogenetic location: 18q12.1.
Variant type: single nucleotide variant.
Coding change: c.13C>G on transcript NM_001943.5 (MANE Select); coding-DNA position 13, C replaced by G.
Protein change: p.Pro5Ala; replaces proline 5 with alanine.
Molecular consequence: missense variant.
Genome position (GRCh38, 1-based): chr18:31,498,264, C>G. VCF-style: chr18-31498264-C-G. GRCh37 (hg19) VCF-style: chr18-29078227-C-G.
Other names: short protein forms P5A.
Identifiers: ClinVar variation 2899992 (VCV002899992.4), dbSNP rs2072994151, ClinGen allele CA402127562.
Genomic context (GRCh38, chr18:31,498,264, plus strand): 5'-GCGGCGGCGCGGAGCGGTGCGGCGGCGGGAGGCGGAGGCGAGGGTGCGATGGCGCGGAGC[C>G]CGGGACGCGCGTACGCCCTGCTGCTTCTCCTGGTAAGTGCCGCAAGCGGGACAGGGGAGC-3'
Protein context (NP_001934.2, residues 1-15): MARS[Pro5Ala]GRAYALLLLL

ClinVar aggregate classification (germline): Uncertain significance. Review status: criteria provided, multiple submitters, no conflicts (2 of 4 stars). 2 submissions from 2 submitters: Uncertain significance (2). Last evaluated 2023-06-08.

Conditions:
Arrhythmogenic right ventricular cardiomyopathy (ARVD). Also called: Arrhythmogenic right ventricular dysplasia; Cardiomyopathy, ARVC; Arrhythmogenic cardiomyopathy; Arrhythmogenic Right Ventricular Cardiomyopathy (ARVC). Identifiers: Orphanet 247, MedGen C0349788, MeSH D019571, MONDO:0016587. Disease mechanism: loss of function. Inheritance: Various modes of inheritance.
Arrhythmogenic right ventricular dysplasia 10. Also called: ARRHYTHMOGENIC RIGHT VENTRICULAR DYSPLASIA, FAMILIAL, 10; Arrhythmogenic Right Ventricular Dysplasia/Cardiomyopathy10; Arrhythmogenic right ventricular dysplasia/cardiomyopathy, type 10. Identifiers: MedGen C1857777, MONDO:0012434, OMIM 610193.

gnomAD v4.1: 3 of 1,262,502 alleles (0.00024%); highest among the groups gnomAD compares: Non-Finnish European, 0.0003%; no homozygotes.

Submissions (2):

All of Us Research Program, National Institutes of Health
Classification: Uncertain significance for Arrhythmogenic right ventricular cardiomyopathy. Last evaluated: 2023-06-08. Review status: criteria provided, single submitter. Criteria: ACMG Guidelines, 2015. Collection method: clinical testing. Allele origin: germline. Inheritance: Autosomal dominant inheritance. Observed: 1 variant allele, 1 heterozygote.
Comment: This missense variant replaces proline with alanine at codon 5 of the DSG2 protein. Computational prediction suggests that this variant may not impact protein structure and function (internally defined REVEL score threshold <= 0.5, PMID: 27666373). To our knowledge, functional studies have not been reported for this variant. This variant has not been reported in individuals affected with DSG2-related disorders in the literature. This variant has not been identified in the general population by the Genome Aggregation Database (gnomAD). The available evidence is insufficient to determine the role of this variant in disease conclusively. Therefore, this variant is classified as a Variant of Uncertain Significance.

This study involves interpretation of variants in research participants for the purpose of population health screening. Participant phenotype was not available at the time of variant classification. Additional details can be found in publication PMID: 35346344, PMCID: PMC8962531

Labcorp Genetics (formerly Invitae), Labcorp
Classification: Uncertain significance for Arrhythmogenic right ventricular dysplasia 10. Last evaluated: 2023-02-14. Review status: criteria provided, single submitter. Criteria: Invitae Variant Classification Sherloc (09022015). Collection method: clinical testing. Allele origin: germline.
Comment: This variant is not present in population databases (gnomAD no frequency). In summary, the available evidence is currently insufficient to determine the role of this variant in disease. Therefore, it has been classified as a Variant of Uncertain Significance. Advanced modeling of protein sequence and biophysical properties (such as structural, functional, and spatial information, amino acid conservation, physicochemical variation, residue mobility, and thermodynamic stability) performed at Invitae indicates that this missense variant is not expected to disrupt DSG2 protein function. This variant has not been reported in the literature in individuals affected with DSG2-related conditions. This sequence change replaces proline, which is neutral and non-polar, with alanine, which is neutral and non-polar, at codon 5 of the DSG2 protein (p.Pro5Ala).